The following is an entry in ClinVar:

ClinVar aggregate classification (germline): Benign/Likely benign. Review status: criteria provided, multiple submitters, no conflicts (2 of 4 stars). 4 submissions from 4 submitters: Benign (1); Likely benign (3). Last evaluated 2026-08-03.

Conditions:
RPS20-related disorder. Also called: RPS20-related condition.
Familial colorectal cancer type X. Identifiers: Orphanet 440437, MedGen C3896578, MONDO:0018604.

Submissions (4):

Myriad Genetics, Inc.
Classification: Benign for Familial colorectal cancer type X. Last evaluated: 2026-08-03. Review status: criteria provided, single submitter. Criteria: Myriad Autosomal Dominant, Autosomal Recessive and X-Linked Classification Criteria (2023). Collection method: clinical testing. Allele origin: unknown.
Comment: This variant is considered benign. This variant is a silent/synonymous amino acid change and it is not expected to impact splicing.

Center for Genomic Medicine, Rigshospitalet, Copenhagen University Hospital
Classification: Likely benign. Last evaluated: 2025-03-04. Review status: criteria provided, single submitter. Criteria: ACMG Guidelines, 2015. Collection method: clinical testing. Allele origin: germline.

Department of Pathology and Laboratory Medicine, Sinai Health System
Classification: Likely benign for RPS20-related disorder. Last evaluated: 2024-06-05. Review status: criteria provided, single submitter. Criteria: ACMG Guidelines, 2015. Collection method: clinical testing. Allele origin: germline. Affected: yes.

Ambry Genetics
Classification: Likely benign. Last evaluated: 2022-02-24. Review status: criteria provided, single submitter. Criteria: Ambry Variant Classification Scheme 2023. Collection method: clinical testing. Allele origin: germline.

NM_001023.4(RPS20):c.84C>T (p.Asn28=)

Gene: RPS20 (ribosomal protein S20; minus strand). Cytogenetic location: 8q12.1.
Variant type: single nucleotide variant.
Coding change: c.84C>T on transcript NM_001023.4 (MANE Select); coding-DNA position 84, C replaced by T.
Protein change: p.Asn28=; no amino-acid change (asparagine 28 retained).
Molecular consequence: synonymous variant.
Genome position (GRCh38, 1-based): chr8:56,074,079, G>A on the plus strand (C>T on the coding strand, the complement: RPS20 is on the minus strand). VCF-style: chr8-56074079-G-A. GRCh37 (hg19) VCF-style: chr8-56986638-G-A.
Other names: c.84C>T (NM_001146227.1); c.84C>T, p.Asn28= (NM_001146227.3).
Identifiers: ClinVar variation 1763630 (VCV001763630.6), dbSNP rs759875167, ClinGen allele CA461101596.
Genomic context (GRCh38, chr8:56,074,079, plus strand): 5'-CGCCCAATTCCCCCTCCCCCCCGCATAACGAATGCACTGACCCTTTTCCAAGGATTTTAC[G>A]TTGCGGCTTGTTAGGGTGATTCGAATTCGGTGAATTGCCACCTCCGGCTCCACGGGTGTT-3'
Protein context (NP_001014.1, residues 18-38): HRIRITLTSR[Asn28=]VKSLEKVCAD